The following is an entry in ClinVar:

NM_001276270.2(MBD4):c.1604G>A (p.Gly535Asp)

Gene: MBD4 (methyl-CpG binding domain 4, DNA glycosylase; minus strand). Cytogenetic location: 3q21.3.
Variant type: single nucleotide variant.
Coding change: c.1604G>A on transcript NM_001276270.2 (MANE Select); coding-DNA position 1604, G replaced by A.
Protein change: p.Gly535Asp; replaces glycine 535 with aspartic acid.
Molecular consequence: missense variant. On other transcripts: intron variant (1).
Genome position (GRCh38, 1-based): chr3:129,432,546, C>T on the plus strand (G>A on the coding strand, the complement: MBD4 is on the minus strand). VCF-style: chr3-129432546-C-T. GRCh37 (hg19) VCF-style: chr3-129151389-C-T.
Other names: c.1622G>A, p.Gly541Asp (NM_001276271.2, NM_003925.3); c.668G>A, p.Gly223Asp (NM_001276273.2); c.1612+10G>A (NM_001276272.2); short protein forms G535D, G223D, G541D.
Identifiers: ClinVar variation 4052183 (VCV004052183.2).

ClinVar aggregate classification (germline): Uncertain significance. Review status: criteria provided, multiple submitters, no conflicts (2 of 4 stars). 2 submissions from 2 submitters: Uncertain significance (2). Last evaluated 2025-09-09.

Conditions:
Inborn genetic diseases. Identifiers: MedGen C0950123, MeSH D030342.

Submissions (2):

Labcorp Genetics (formerly Invitae), Labcorp
Classification: Uncertain significance. Last evaluated: 2025-09-09. Review status: criteria provided, single submitter. Criteria: Invitae Variant Classification Sherloc (09022015). Collection method: clinical testing. Allele origin: germline.
Comment: This sequence change replaces glycine, which is neutral and non-polar, with aspartic acid, which is acidic and polar, at codon 541 of the MBD4 protein (p.Gly541Asp). This variant is not present in population databases (gnomAD no frequency). This variant has not been reported in the literature in individuals affected with MBD4-related conditions. ClinVar contains an entry for this variant (Variation ID: 4052183). An algorithm developed to predict the effect of missense changes on protein structure and function (PolyPhen-2) suggests that this variant is likely to be disruptive. In summary, the available evidence is currently insufficient to determine the role of this variant in disease. Therefore, it has been classified as a Variant of Uncertain Significance.

Ambry Genetics
Classification: Uncertain significance for Inborn genetic diseases. Last evaluated: 2025-03-31. Review status: criteria provided, single submitter. Criteria: Ambry Variant Classification Scheme 2023. Collection method: clinical testing. Allele origin: germline.
Comment: The p.G535D variant (also known as c.1604G>A), located in coding exon 7 of the MBD4 gene, results from a G to A substitution at nucleotide position 1604. The glycine at codon 535 is replaced by aspartic acid, an amino acid with similar properties. This amino acid position is conserved. In addition, this alteration is predicted to be deleterious by in silico analysis. Based on the available evidence, the clinical significance of this variant remains unclear.